The following is an entry in ClinVar:

NM_000092.5(COL4A4):c.133G>T (p.Gly45Cys)

Gene: COL4A4 (collagen type IV alpha 4 chain; minus strand). Cytogenetic location: 2q36.3.
Variant type: single nucleotide variant.
Coding change: c.133G>T on transcript NM_000092.5 (MANE Select); coding-DNA position 133, G replaced by T.
Protein change: p.Gly45Cys; replaces glycine 45 with cysteine.
Molecular consequence: missense variant.
Genome position (GRCh38, 1-based): chr2:227,140,220, C>A on the plus strand (G>T on the coding strand, the complement: COL4A4 is on the minus strand). VCF-style: chr2-227140220-C-A. GRCh37 (hg19) VCF-style: chr2-228004936-C-A.
Other names: short protein forms G45C.
Identifiers: ClinVar variation 1313172 (VCV001313172.7), dbSNP rs753016038, ClinGen allele CA2145779.

ClinVar aggregate classification (germline): Conflicting classifications of pathogenicity. Review status: criteria provided, conflicting classifications (1 of 4 stars). 3 submissions from 3 submitters: Uncertain significance (2); Likely benign (1). Last evaluated 2023-08-18.

Conditions:
Autosomal recessive Alport syndrome (ATS2). Also called: COL4A4 Alport Syndrome and Thin Basement Membrane Nephropathy; Alport syndrome type 2; COL4A3-Related Nephropathy; ALPORT SYNDROME 2, AUTOSOMAL RECESSIVE. Identifiers: Orphanet 63, Orphanet 88919, MedGen C4746745, MONDO:0008762, OMIM 203780.
Benign familial hematuria. Also called: thin basement membrane disease. Identifiers: MedGen C0241908, MONDO:0957317.

Allele frequency attached by ClinVar (database versions not stated): gnomAD 0.00001; TOPMed 0.00001.

Submissions (3):

Labcorp Genetics (formerly Invitae), Labcorp
Classification: Likely benign. Last evaluated: 2023-08-18. Review status: criteria provided, single submitter. Criteria: Invitae Variant Classification Sherloc (09022015). Collection method: clinical testing. Allele origin: germline.

Fulgent Genetics
Classification: Uncertain significance for Hematuria, benign familial, 1; Autosomal recessive Alport syndrome. Last evaluated: 2022-01-25. Review status: criteria provided, single submitter. Criteria: ACMG Guidelines, 2015. Collection method: clinical testing. Allele origin: unknown.

GeneDx
Classification: Uncertain significance. Last evaluated: 2020-08-28. Review status: criteria provided, single submitter. Criteria: GeneDx Variant Classification Process June 2021. Collection method: clinical testing. Allele origin: germline. Affected: yes.
Comment: In silico analysis supports that this missense variant does not alter protein structure/function; Has not been previously published as pathogenic or benign to our knowledge